The following is an entry in ClinVar:

NM_002382.5(MAX):c.134G>A (p.Ser45Asn)

Genes: MAX (MYC associated transcriptional regulator X; minus strand), MAX-AS1 (MAX antisense RNA 1; plus strand). Cytogenetic location: 14q23.3.
Variant type: single nucleotide variant.
Coding change: c.134G>A on transcript NM_002382.5 (MANE Select); coding-DNA position 134, G replaced by A.
Protein change: p.Ser45Asn; replaces serine 45 with asparagine.
Molecular consequence: missense variant. On other transcripts: non-coding transcript variant (1), 5 prime UTR variant (1).
Genome position (GRCh38, 1-based): chr14:65,093,745, C>T on the plus strand (G>A on the coding strand, the complement: MAX is on the minus strand). VCF-style: chr14-65093745-C-T. GRCh37 (hg19) VCF-style: chr14-65560463-C-T.
Other names: c.107G>A, p.Ser36Asn (NM_001271068.2, NM_001271069.2, NM_001407095.1 and 9 more transcripts); c.-141G>A (NM_001320415.2, NM_001407105.1, NM_001407106.1 and 1 more transcripts); c.134G>A, p.Ser45Asn (NM_001407094.1, NM_001407096.1, NM_001407097.1 and 5 more transcripts); c.-234G>A (NM_001407111.1, NM_001407112.1); c.157G>A, p.Val53Ile (NM_001407114.1); short protein forms S36N, S45N, V53I.
Identifiers: ClinVar variation 1417350 (VCV001417350.10), dbSNP rs2139883912, ClinGen allele CA390037675.

ClinVar aggregate classification (germline): Uncertain significance. Review status: criteria provided, multiple submitters, no conflicts (2 of 4 stars). 2 submissions from 2 submitters: Uncertain significance (2). Last evaluated 2025-11-04.

Conditions:
Hereditary pheochromocytoma and paraganglioma. Also called: Hereditary paragangliomas and pheochromocytomas; Hereditary Paraganglioma-Pheochromocytoma Syndromes; Hereditary pheochromocytoma-paraganglioma. Identifiers: Orphanet 29072, MedGen C4274332, MONDO:0017366.
Hereditary cancer-predisposing syndrome. Also called: Tumor predisposition; Hereditary Cancer Syndrome; Hereditary neoplastic syndrome; Neoplastic Syndromes, Hereditary. Identifiers: Orphanet 140162, MedGen C0027672, MeSH D009386, MONDO:0015356.

Allele frequency attached by ClinVar (database versions not stated): gnomAD exomes below 0.00001.

Submissions (2):

Labcorp Genetics (formerly Invitae), Labcorp
Classification: Uncertain significance for Hereditary pheochromocytoma and paraganglioma. Last evaluated: 2025-11-04. Review status: criteria provided, single submitter. Criteria: Invitae Variant Classification Sherloc (09022015). Collection method: clinical testing. Allele origin: germline.
Comment: This sequence change replaces serine, which is neutral and polar, with asparagine, which is neutral and polar, at codon 45 of the MAX protein (p.Ser45Asn). This variant is not present in population databases (gnomAD no frequency). This variant has not been reported in the literature in individuals affected with MAX-related conditions. ClinVar contains an entry for this variant (Variation ID: 1417350). An algorithm developed to predict the effect of missense changes on protein structure and function (PolyPhen-2) suggests that this variant is likely to be tolerated. In summary, the available evidence is currently insufficient to determine the role of this variant in disease. Therefore, it has been classified as a Variant of Uncertain Significance.

Ambry Genetics
Classification: Uncertain significance for Hereditary cancer-predisposing syndrome. Last evaluated: 2025-04-08. Review status: criteria provided, single submitter. Criteria: Ambry Variant Classification Scheme 2023. Collection method: clinical testing. Allele origin: germline.
Comment: The p.S45N variant (also known as c.134G>A), located in coding exon 3 of the MAX gene, results from a G to A substitution at nucleotide position 134. The serine at codon 45 is replaced by asparagine, an amino acid with highly similar properties. This amino acid position is highly conserved in available vertebrate species. In addition, the in silico prediction for this alteration is inconclusive. Based on the available evidence, the clinical significance of this variant remains unclear.